The following is an entry in ClinVar:

NM_001042432.2(CLN3):c.768C>T (p.Thr256=)

Gene: CLN3 (CLN3 lysosomal/endosomal transmembrane protein, battenin; minus strand). Cytogenetic location: 16p12.1.
Variant type: single nucleotide variant.
Coding change: c.768C>T on transcript NM_001042432.2 (MANE Select); coding-DNA position 768, C replaced by T.
Protein change: p.Thr256=; no amino-acid change (threonine 256 retained).
Molecular consequence: synonymous variant.
Genome position (GRCh38, 1-based): chr16:28,484,028, G>A on the plus strand (C>T on the coding strand, the complement: CLN3 is on the minus strand). VCF-style: chr16-28484028-G-A. GRCh37 (hg19) VCF-style: chr16-28495349-G-A.
Other names: p.T256T:ACC>ACT; p.Thr256=; c.768C>T, p.Thr256= (NM_000086.2); c.696C>T, p.Thr232= (NM_001286104.2); c.468C>T, p.Thr156= (NM_001286105.2); c.534C>T, p.Thr178= (NM_001286109.2); c.606C>T, p.Thr202= (NM_001286110.2).
Identifiers: ClinVar variation 93505 (VCV000093505.36), dbSNP rs145967477, ClinGen allele CA221451.

ClinVar aggregate classification (germline): Conflicting classifications of pathogenicity. Review status: criteria provided, conflicting classifications (1 of 4 stars). 13 submissions from 13 submitters: Uncertain significance (1); Benign (5); Likely benign (4). 3 of the submissions do not count toward it. Last evaluated 2026-02-03.

Conditions:
Inborn genetic diseases. Identifiers: MedGen C0950123, MeSH D030342.
Neuronal ceroid lipofuscinosis. Also called: Neuronal Ceroid Lipofuscinoses. Identifiers: Orphanet 216, Orphanet 79263, MedGen C0027877, MONDO:0016295. Disease mechanism: loss of function.
Neuronal ceroid lipofuscinosis 3 (CLN3). Identifiers: Orphanet 228346, MedGen C0751383, MONDO:0008767, OMIM 204200.

Allele frequency attached by ClinVar (database versions not stated): gnomAD exomes 0.00028 and 0.00065; ESP Exome Variant Server 0.00062; 1000 Genomes Project 30x 0.00078; 1000 Genomes Project 0.00080; ExAC 0.00087; gnomAD 0.00096 and 0.00103; TOPMed 0.00105.
gnomAD v4.1: 582 of 1,610,850 alleles (0.036%); highest among the groups gnomAD compares: African/African-American, 0.25%; 2 homozygotes.

Submissions (13):

Labcorp Genetics (formerly Invitae), Labcorp
Classification: Benign for Neuronal ceroid lipofuscinosis. Last evaluated: 2026-02-03. Review status: criteria provided, single submitter. Criteria: Invitae Variant Classification Sherloc (09022015). Collection method: clinical testing. Allele origin: germline.

Mayo Clinic Laboratories, Mayo Clinic
Classification: Benign. Last evaluated: 2025-04-02. Review status: criteria provided, single submitter. Criteria: ACMG Guidelines, 2015. Collection method: clinical testing. Allele origin: germline. Observed: 2 variant alleles.
Comment: BA1, BP4, BP7

Blueprint Genetics
Classification: Likely benign. Last evaluated: 2024-10-18. Review status: criteria provided, single submitter. Criteria: ACMG Guidelines, 2015. Collection method: clinical testing. Allele origin: germline.

Genome-Nilou Lab
Classification: Benign for Neuronal ceroid lipofuscinosis 3. Last evaluated: 2021-08-10. Review status: criteria provided, single submitter. Criteria: ACMG Guidelines, 2015. Collection method: clinical testing. Allele origin: germline. Affected: no.

Athena Diagnostics
Classification: Benign. Last evaluated: 2018-03-09. Review status: criteria provided, single submitter. Criteria: Athena Diagnostics Criteria. Collection method: clinical testing. Allele origin: germline.

Illumina Laboratory Services, Illumina
Classification: Uncertain significance for Neuronal ceroid lipofuscinosis 3. Last evaluated: 2018-01-12. Review status: criteria provided, single submitter. Criteria: ICSL Variant Classification Criteria 13 December 2019. Collection method: clinical testing. Allele origin: germline.

Ambry Genetics
Classification: Likely benign for Inborn genetic diseases. Last evaluated: 2017-09-08. Review status: criteria provided, single submitter. Criteria: Ambry Variant Classification Scheme 2023. Collection method: clinical testing. Allele origin: germline.

Genetic Services Laboratory, University of Chicago
Classification: Likely benign. Last evaluated: 2015-12-14. Review status: criteria provided, single submitter. Criteria: ACMG Guidelines, 2015. Collection method: clinical testing. Allele origin: germline. Affected: no.

Eurofins Ntd Llc (ga)
Classification: Likely benign. Last evaluated: 2015-09-22. Review status: criteria provided, single submitter. Criteria: EGL Classification Definitions 2015. Collection method: clinical testing. Allele origin: germline. Observed: 1 variant allele, 1 heterozygote.

GeneDx
Classification: Benign. Last evaluated: 2013-04-18. Review status: criteria provided, single submitter. Criteria: GeneDx Variant Classification (06012015). Collection method: clinical testing. Allele origin: germline. Affected: yes.
Comment: This variant is considered likely benign or benign based on one or more of the following criteria: it is a conservative change, it occurs at a poorly conserved position in the protein, it is predicted to be benign by multiple in silico algorithms, and/or has population frequency not consistent with disease.

Natera, Inc.
Classification: Benign for Batten Disease. Last evaluated: 2019-05-20. Review status: no assertion criteria provided. Collection method: clinical testing. Allele origin: germline. Not counted in ClinVar's aggregate classification.

Clinical Genetics, Academic Medical Center
Classification: Benign. Review status: no assertion criteria provided. Collection method: clinical testing. Allele origin: germline. Affected: yes. Study: VKGL Data-share Consensus. Not counted in ClinVar's aggregate classification.

Genome Diagnostics Laboratory, University Medical Center Utrecht
Classification: Likely benign. Review status: no assertion criteria provided. Collection method: clinical testing. Allele origin: germline. Affected: yes. Study: VKGL Data-share Consensus. Not counted in ClinVar's aggregate classification.

Literature cited by the submitters: PubMed 27843123 (cited by Athena Diagnostics).